The following is an entry in ClinVar:

NM_000218.3(KCNQ1):c.567G>A (p.Gly189=)

Gene: KCNQ1 (potassium voltage-gated channel subfamily Q member 1; plus strand). Cytogenetic location: 11p15.5.
Variant type: single nucleotide variant.
Coding change: c.567G>A on transcript NM_000218.3 (MANE Select); coding-DNA position 567, G replaced by A.
Protein change: p.Gly189=; no amino-acid change (glycine 189 retained).
Molecular consequence: synonymous variant. On other transcripts: intron variant (1).
Genome position (GRCh38, 1-based): chr11:2,570,717, G>A. VCF-style: chr11-2570717-G-A. GRCh37 (hg19) VCF-style: chr11-2591947-G-A.
Other names: c.567G>A, p.Gly189= (NM_001406836.1); c.297G>A, p.Gly99= (NM_001406837.1); c.186G>A, p.Gly62= (NM_181798.2); c.478-12718G>A (NM_001406838.1).
Identifiers: ClinVar variation 2905997 (VCV002905997.4), dbSNP rs200669271, ClinGen allele CA472037875.

ClinVar aggregate classification (germline): Likely benign. Review status: criteria provided, multiple submitters, no conflicts (2 of 4 stars). 2 submissions from 2 submitters: Likely benign (2). Last evaluated 2025-07-09.

Conditions:
Long QT syndrome (LQTS). Identifiers: MedGen C0023976, MeSH D008133, MONDO:0002442. Disease mechanism: loss of function. Inheritance: Various modes of inheritance.

gnomAD v4.1: 4 of 1,612,328 alleles (0.00025%); highest among the groups gnomAD compares: Non-Finnish European, 0.00034%; no homozygotes.

Submissions (2):

Labcorp Genetics (formerly Invitae), Labcorp
Classification: Likely benign for Long QT syndrome. Last evaluated: 2025-07-09. Review status: criteria provided, single submitter. Criteria: Invitae Variant Classification Sherloc (09022015). Collection method: clinical testing. Allele origin: germline.

All of Us Research Program, National Institutes of Health
Classification: Likely benign for Long QT syndrome. Last evaluated: 2023-12-18. Review status: criteria provided, single submitter. Criteria: ACMG Guidelines, 2015. Collection method: clinical testing. Allele origin: germline. Inheritance: Autosomal dominant inheritance. Observed: 1 variant allele, 1 heterozygote.
Comment: This study involves interpretation of variants in research participants for the purpose of population health screening. Participant phenotype was not available at the time of variant classification. Additional details can be found in publication PMID: 35346344, PMCID: PMC8962531